The following is an entry in ClinVar:

ClinVar aggregate classification (germline): Likely benign (1 of 4 stars; one submission).

Conditions:
RHO-related disorder. Also called: RHO-related condition.

gnomAD v4.1: 12 of 1,614,256 alleles (0.00074%); highest among the groups gnomAD compares: Non-Finnish European, 0.00085%; no homozygotes.

Submission:

PreventionGenetics, part of Exact Sciences
Classification: Likely benign for RHO-related condition. Last evaluated: 2026-04-28. Review status: criteria provided, single submitter. Criteria: ACMG Guidelines, 2015. Collection method: clinical testing. Allele origin: germline.
Comment: This variant is classified as likely benign based on ACMG/AMP sequence variant interpretation guidelines (Richards et al. 2015 PMID: 25741868, with internal and published modifications).

NM_000539.3(RHO):c.870C>T (p.Ile290=)

Gene: RHO (rhodopsin; plus strand). Cytogenetic location: 3q22.1.
Variant type: single nucleotide variant.
Coding change: c.870C>T on transcript NM_000539.3 (MANE Select); coding-DNA position 870, C replaced by T.
Protein change: p.Ile290=; no amino-acid change (isoleucine 290 retained).
Molecular consequence: synonymous variant.
Genome position (GRCh38, 1-based): chr3:129,532,706, C>T. VCF-style: chr3-129532706-C-T. GRCh37 (hg19) VCF-style: chr3-129251549-C-T.
Identifiers: ClinVar variation 4983044 (VCV004983044.1).